The following is an entry in ClinVar:

NM_000219.6(KCNE1):c.154G>T (p.Gly52Ter)

Gene: KCNE1 (potassium voltage-gated channel subfamily E regulatory subunit 1; minus strand). Cytogenetic location: 21q22.12.
Variant type: single nucleotide variant.
Coding change: c.154G>T on transcript NM_000219.6 (MANE Select); coding-DNA position 154, G replaced by T.
Protein change: p.Gly52Ter; replaces glycine 52 with a stop codon.
Molecular consequence: nonsense.
Genome position (GRCh38, 1-based): chr21:34,449,481, C>A on the plus strand (G>T on the coding strand, the complement: KCNE1 is on the minus strand). VCF-style: chr21-34449481-C-A. GRCh37 (hg19) VCF-style: chr21-35821779-C-A.
Other names: c.154G>T, p.Gly52Ter (NM_001127668.4, NM_001127669.4, NM_001127670.4 and 4 more transcripts); short protein forms G52*.
Identifiers: ClinVar variation 3374190 (VCV003374190.2).
Genomic context (GRCh38, chr21:34,449,481, plus strand): 5'-CCAGCTTCTTGGAGCGGATGTAGCTCAGCATGATGCCCAGGGTGAAGAAGCCGAAGAATC[C>A]CAGTACCATGAGGACGTAGAGGGCCTCCAGCTTGCCGTCACTGCTGCGGGGGGACCTGCG-3'

Conditions:
Long QT syndrome 5 (LQT5). Identifiers: Orphanet 101016, Orphanet 768, MedGen C1867904, MONDO:0013372, OMIM 613695.

Submission:

Roden Lab, Vanderbilt University Medical Center
No classification provided (evidence only). Condition: Long QT syndrome 5. Review status: no classification provided. Collection method: in vitro. Allele origin: not applicable. Functional consequence: Effect on ion channel function.
ClinVar note: "not provided" was previously submitted as the classification for the variant. However, the classification appeared to be based only on an observation of functional data so it was converted to no classification on 2025-07-30.